The following is an entry in ClinVar:

NM_001127649.3(PEX26):c.331C>A (p.Gln111Lys)

Gene: PEX26 (peroxisomal biogenesis factor 26; plus strand). Cytogenetic location: 22q11.21.
Variant type: single nucleotide variant.
Coding change: c.331C>A on transcript NM_001127649.3 (MANE Select); coding-DNA position 331, C replaced by A.
Protein change: p.Gln111Lys; replaces glutamine 111 with lysine.
Molecular consequence: missense variant.
Genome position (GRCh38, 1-based): chr22:18,079,974, C>A. VCF-style: chr22-18079974-C-A. GRCh37 (hg19) VCF-style: chr22-18562740-C-A.
Other names: c.331C>A (NM_017929.5); c.331C>A, p.Gln111Lys (NM_001199319.2, NM_017929.6); short protein forms Q111K.
Identifiers: ClinVar variation 2009005 (VCV002009005.5), dbSNP rs765822243, ClinGen allele CA10093291.
Genomic context (GRCh38, chr22:18,079,974, plus strand): 5'-CAGGCCCTGGCAGAAATGGATCGGTGGCAAGAAGTCCTCTCCTGGGTCCTTCAGTATTAC[C>A]AGGTCCCTGAAAAGCTACCCCCCAAAGTCCTGGAGCTGTGGTAAGTCTTCTTTGCTGACT-3'
Protein context (NP_001121121.1, residues 101-121): EVLSWVLQYY[Gln111Lys]VPEKLPPKVL

ClinVar aggregate classification (germline): Uncertain significance. Review status: criteria provided, multiple submitters, no conflicts (2 of 4 stars). 2 submissions from 2 submitters: Uncertain significance (2). Last evaluated 2025-09-05.

Conditions:
Peroxisome biogenesis disorder 7A (Zellweger). Also called: Peroxisome biogenesis disorder 7A. Identifiers: Orphanet 912, MedGen C3888385, MONDO:0013938, OMIM 614872.
Peroxisome biogenesis disorder 7B (PBD7B). Identifiers: Orphanet 44, MedGen C3553951, MONDO:0013939, OMIM 614873.
PEX26-related disorder. Also called: PEX26-related condition.

Allele frequency attached by ClinVar (database versions not stated): TOPMed below 0.00001; ExAC 0.00001.

Submissions (2):

PreventionGenetics, part of Exact Sciences
Classification: Uncertain significance for PEX26-related condition. Last evaluated: 2025-09-05. Review status: criteria provided, single submitter. Criteria: ACMG Guidelines, 2015. Collection method: clinical testing. Allele origin: germline.
Comment: The PEX26 c.331C>A variant is predicted to result in the amino acid substitution p.Gln111Lys. To our knowledge, this variant has not been reported in the literature. This variant is reported in 0.0054% of alleles in individuals of East Asian descent in gnomAD. At this time, the clinical significance of this variant is uncertain due to the absence of conclusive functional and genetic evidence.

Labcorp Genetics (formerly Invitae), Labcorp
Classification: Uncertain significance for Peroxisome biogenesis disorder 7A (Zellweger); Peroxisome biogenesis disorder 7B. Last evaluated: 2022-06-22. Review status: criteria provided, single submitter. Criteria: Invitae Variant Classification Sherloc (09022015). Collection method: clinical testing. Allele origin: germline.
Comment: Algorithms developed to predict the effect of missense changes on protein structure and function output the following: SIFT: "Tolerated"; PolyPhen-2: "Benign"; Align-GVGD: "Class C0". The lysine amino acid residue is found in multiple mammalian species, which suggests that this missense change does not adversely affect protein function. This variant has not been reported in the literature in individuals affected with PEX26-related conditions. This variant is present in population databases (rs765822243, gnomAD 0.006%). This sequence change replaces glutamine, which is neutral and polar, with lysine, which is basic and polar, at codon 111 of the PEX26 protein (p.Gln111Lys). In summary, the available evidence is currently insufficient to determine the role of this variant in disease. Therefore, it has been classified as a Variant of Uncertain Significance.